The following is an entry in ClinVar:

ClinVar aggregate classification (germline): Uncertain significance (1 of 4 stars; one submission).

Conditions:
Autosomal dominant polycystic kidney disease. Identifiers: Orphanet 730, MedGen C0085413, MONDO:0004691.

Submission:

Labcorp Genetics (formerly Invitae), Labcorp
Classification: Uncertain significance for Autosomal dominant polycystic kidney disease. Last evaluated: 2025-04-27. Review status: criteria provided, single submitter. Criteria: Invitae Variant Classification Sherloc (09022015). Collection method: clinical testing. Allele origin: germline.
Comment: This sequence change replaces aspartic acid, which is acidic and polar, with asparagine, which is neutral and polar, at codon 115 of the PKD2 protein (p.Asp115Asn). This variant is present in population databases (no rsID available, gnomAD 0.01%). This variant has not been reported in the literature in individuals affected with PKD2-related conditions. An algorithm developed to predict the effect of missense changes on protein structure and function (PolyPhen-2) suggests that this variant is likely to be disruptive. In summary, the available evidence is currently insufficient to determine the role of this variant in disease. Therefore, it has been classified as a Variant of Uncertain Significance.

NM_000297.4(PKD2):c.343G>A (p.Asp115Asn)

Genes: PKD2 (polycystin 2, transient receptor potential cation channel; plus strand), LOC129992813 (ATAC-STARR-seq lymphoblastoid silent region 15559; plus strand). Cytogenetic location: 4q22.1.
Variant type: single nucleotide variant.
Coding change: c.343G>A on transcript NM_000297.4 (MANE Select); coding-DNA position 343, G replaced by A.
Protein change: p.Asp115Asn; replaces aspartic acid 115 with asparagine.
Molecular consequence: missense variant. On other transcripts: non-coding transcript variant (1).
Genome position (GRCh38, 1-based): chr4:88,008,076, G>A. VCF-style: chr4-88008076-G-A. GRCh37 (hg19) VCF-style: chr4-88929228-G-A.
Other names: c.343G>A, p.Asp115Asn (NM_001440544.1); short protein forms D115N.
Identifiers: ClinVar variation 4750115 (VCV004750115.1).